The following is an entry in ClinVar:

ClinVar aggregate classification (germline): Likely pathogenic (1 of 4 stars; one submission).

Conditions:
Amyotrophic lateral sclerosis type 1 (ALS1). Also called: AMYOTROPHIC LATERAL SCLEROSIS 1, FAMILIAL. Identifiers: Orphanet 803, MedGen C1862939, MONDO:0007103, OMIM 105400.

Allele frequency attached by ClinVar (database versions not stated): gnomAD exomes below 0.00001.

Submission:

Neuberg Centre For Genomic Medicine, NCGM
Classification: Likely pathogenic for Amyotrophic lateral sclerosis type 1. Review status: criteria provided, single submitter. Criteria: ACMG Guidelines, 2015. Collection method: clinical testing. Allele origin: germline. Inheritance: Autosomal dominant inheritance. Affected: yes.
Comment: The stop gained variant c.919C>T p.Gln307Ter in the PRPH gene has not been reported previously as a pathogenic variant nor as a benign variant, to our knowledge. The variant is novel not in any individuals in gnomAD Exomes and 1000 Genomes. This variant is predicted to cause a loss of normal protein function through protein truncation. Loss of function variants has been previously reported to be disease causing Gros-Louis et al., 2004. For these reasons, this variant has been classified as Likely Pathogenic.

NM_006262.4(PRPH):c.919C>T (p.Gln307Ter)

Genes: PRPH (peripherin; plus strand), TROAP-AS1 (TROAP and PRPH antisense RNA 1; minus strand), LOC124629354 (Sharpr-MPRA regulatory region 11953; plus strand). Cytogenetic location: 12q13.12.
Variant type: single nucleotide variant.
Coding change: c.919C>T on transcript NM_006262.4 (MANE Select); coding-DNA position 919, C replaced by T.
Protein change: p.Gln307Ter; replaces glutamine 307 with a stop codon.
Molecular consequence: nonsense. On other transcripts: non-coding transcript variant (1).
Genome position (GRCh38, 1-based): chr12:49,297,196, C>T. VCF-style: chr12-49297196-C-T. GRCh37 (hg19) VCF-style: chr12-49690979-C-T.
Other names: short protein forms Q307*.
Identifiers: ClinVar variation 3234975 (VCV003234975.1), dbSNP rs2498984328, ClinGen allele CA384694212.